The following is an entry in ClinVar:

NM_032043.3(BRIP1):c.2488G>A (p.Gly830Ser)

Gene: BRIP1 (BRCA1 interacting DNA helicase 1; minus strand). Cytogenetic location: 17q23.2.
Variant type: single nucleotide variant.
Coding change: c.2488G>A on transcript NM_032043.3 (MANE Select); coding-DNA position 2488, G replaced by A.
Protein change: p.Gly830Ser; replaces glycine 830 with serine.
Molecular consequence: missense variant.
Genome position (GRCh38, 1-based): chr17:61,715,955, C>T on the plus strand (G>A on the coding strand, the complement: BRIP1 is on the minus strand). VCF-style: chr17-61715955-C-T. GRCh37 (hg19) VCF-style: chr17-59793316-C-T.
Other names: c.2488G>A (NM_032043.2); short protein forms G830S.
Identifiers: ClinVar variation 1057933 (VCV001057933.11), dbSNP rs876659062, ClinGen allele CA400479395.

ClinVar aggregate classification (germline): Uncertain significance. Review status: criteria provided, multiple submitters, no conflicts (2 of 4 stars). 2 submissions from 2 submitters: Uncertain significance (2). Last evaluated 2026-07-06.

Conditions:
Hereditary cancer-predisposing syndrome. Also called: Tumor predisposition; Hereditary Cancer Syndrome; Hereditary neoplastic syndrome; Neoplastic Syndromes, Hereditary. Identifiers: Orphanet 140162, MedGen C0027672, MeSH D009386, MONDO:0015356.
Fanconi anemia complementation group J. Also called: BRIP1-Related Fanconi Anemia. Identifiers: Orphanet 84, MedGen C1836860, MONDO:0012187, OMIM 609054.
Familial cancer of breast. Also called: Hereditary breast cancer; hereditary breast carcinoma; BREAST CANCER, FAMILIAL. Identifiers: Orphanet 227535, MedGen C0346153, MONDO:0016419, OMIM 114480. Disease mechanism: loss of function.

Submissions (2):

Ambry Genetics
Classification: Uncertain significance for Hereditary cancer-predisposing syndrome. Last evaluated: 2026-07-06. Review status: criteria provided, single submitter. Criteria: Ambry Variant Classification Scheme 2023. Collection method: clinical testing. Allele origin: germline.
Comment: The p.G830S variant (also known as c.2488G>A), located in coding exon 16 of the BRIP1 gene, results from a G to A substitution at nucleotide position 2488. The glycine at codon 830 is replaced by serine, an amino acid with similar properties. This amino acid position is conserved. In addition, this alteration is predicted to be deleterious by in silico analysis. Based on the available evidence, the clinical significance of this variant remains unclear.

Labcorp Genetics (formerly Invitae), Labcorp
Classification: Uncertain significance for Familial cancer of breast; Fanconi anemia complementation group J. Last evaluated: 2020-09-01. Review status: criteria provided, single submitter. Criteria: Invitae Variant Classification Sherloc (09022015). Collection method: clinical testing. Allele origin: germline.
Comment: In summary, the available evidence is currently insufficient to determine the role of this variant in disease. Therefore, it has been classified as a Variant of Uncertain Significance. Algorithms developed to predict the effect of missense changes on protein structure and function (SIFT, PolyPhen-2, Align-GVGD) all suggest that this variant is likely to be disruptive, but these predictions have not been confirmed by published functional studies and their clinical significance is uncertain. This variant has not been reported in the literature in individuals with BRIP1-related conditions. This variant is not present in population databases (ExAC no frequency). This sequence change replaces glycine with serine at codon 830 of the BRIP1 protein (p.Gly830Ser). The glycine residue is highly conserved and there is a small physicochemical difference between glycine and serine.